The following is an entry in ClinVar:

NM_172364.5(CACNA2D4):c.978_979inv (p.Ile327Val)

Gene: CACNA2D4 (calcium voltage-gated channel auxiliary subunit alpha2delta 4; minus strand). Cytogenetic location: 12p13.33.
Variant type: Inversion.
Coding change: c.978_979inv on transcript NM_172364.5 (MANE Select).
Protein change: p.Ile327Val; replaces isoleucine 327 with valine.
Molecular consequence: missense variant.
Genome position: GRCh38 VCF-style: chr12-1886237-TG-CA. GRCh37 (hg19) VCF-style: chr12-1995403-TG-CA.
Other names: short protein forms I327V.
Identifiers: ClinVar variation 1486426 (VCV001486426.5), ClinGen allele CA2573147829.
Genomic context (GRCh38, chr12:1,886,237, plus strand): 5'-TTCTAGAGCAAGTGAGAGCTATTCTAGAACAGGAAGGCACATTTACCGCTATGATATTAA[TG>CA]AAGTCATTCTCCCCCAGGGTGTCCAAGATGGTGGTGATGGTGTGCTTGGCAATAGTCATC-3'
Protein context (NP_758952.4, residues 317-337): ILDTLGENDF[Ile327Val]NIIAYNDYVH

ClinVar aggregate classification (germline): Uncertain significance (1 of 4 stars; one submission).

Submission:

Labcorp Genetics (formerly Invitae), Labcorp
Classification: Uncertain significance. Last evaluated: 2021-10-09. Review status: criteria provided, single submitter. Criteria: Invitae Variant Classification Sherloc (09022015). Collection method: clinical testing. Allele origin: germline.
Comment: In summary, the available evidence is currently insufficient to determine the role of this variant in disease. Therefore, it has been classified as a Variant of Uncertain Significance. Experimental studies and prediction algorithms are not available or were not evaluated, and the functional significance of this variant is currently unknown. This variant has not been reported in the literature in individuals affected with CACNA2D4-related conditions. The frequency data for this variant in the population databases is not available, as this variant may be reported as separate entries in the ExAC database. This variant, c.978_979delinsTG, is a complex sequence change that results in the deletion of 1 and insertion of 1 amino acid(s) in the CACNA2D4 protein (p.Ile327Val).